The following is an entry in ClinVar:

NM_000260.4(MYO7A):c.4619C>T (p.Ala1540Val)

Gene: MYO7A (myosin VIIA; plus strand). Cytogenetic location: 11q13.5.
Variant type: single nucleotide variant.
Coding change: c.4619C>T on transcript NM_000260.4 (MANE Select); coding-DNA position 4619, C replaced by T.
Protein change: p.Ala1540Val; replaces alanine 1540 with valine.
Molecular consequence: missense variant. On other transcripts: intron variant (2).
Genome position (GRCh38, 1-based): chr11:77,199,585, C>T. VCF-style: chr11-77199585-C-T. GRCh37 (hg19) VCF-style: chr11-76910630-C-T.
Other names: c.4536-64C>T (NM_001369365.1); c.4569-64C>T (NM_001127180.2); short protein forms A1540V.
Identifiers: ClinVar variation 43250 (VCV000043250.49), dbSNP rs111033511, ClinGen allele CA132337.

ClinVar aggregate classification (germline): Conflicting classifications of pathogenicity. Review status: criteria provided, conflicting classifications (1 of 4 stars). 11 submissions from 9 submitters: Uncertain significance (1); Likely benign (10). Last evaluated 2026-01-21.

Conditions:
MYO7A-related disorder. Also called: MYO7A-related disorders.
Usher syndrome type 1 (USH1). Also called: RETINITIS PIGMENTOSA AND CONGENITAL DEAFNESS. Identifiers: Orphanet 231169, Orphanet 886, MedGen C1568247, MONDO:0010168, OMIM 276900.
Autosomal recessive nonsyndromic hearing loss 2. Also called: NEUROSENSORY NONSYNDROMIC RECESSIVE DEAFNESS 2; DEAFNESS, AUTOSOMAL RECESSIVE 2. Identifiers: Orphanet 90636, MedGen C1838701, MONDO:0010807, OMIM 600060.
Autosomal dominant nonsyndromic hearing loss 11. Identifiers: Orphanet 90635, MedGen C1832475, MONDO:0011032, OMIM 601317.

Allele frequency attached by ClinVar (database versions not stated): ExAC 0.00144; gnomAD 0.00003 and 0.00018; TOPMed 0.00003; gnomAD exomes 0.00025 and 0.00038; 1000 Genomes Project 0.00040; 1000 Genomes Project 30x 0.00062.
gnomAD v4.1: 378 of 1,571,506 alleles (0.024%); highest among the groups gnomAD compares: South Asian, 0.31%; 4 homozygotes.

Submissions (11):

Labcorp Genetics (formerly Invitae), Labcorp
Classification: Likely benign. Last evaluated: 2026-01-21. Review status: criteria provided, single submitter. Criteria: Invitae Variant Classification Sherloc (09022015). Collection method: clinical testing. Allele origin: germline.

CeGaT Center for Human Genetics Tuebingen
Classification: Likely benign. Last evaluated: 2026-01-01. Review status: criteria provided, single submitter. Criteria: CeGaT Center For Human Genetics Tuebingen Variant Classification Criteria Version 2. Collection method: clinical testing. Allele origin: germline. Affected: yes. Observed: 2 variant alleles.
Comment: MYO7A: BP4, BS2

PreventionGenetics, part of Exact Sciences
Classification: Likely benign for MYO7A-related condition. Last evaluated: 2025-03-26. Review status: criteria provided, single submitter. Criteria: ACMG Guidelines, 2015. Collection method: clinical testing. Allele origin: germline.
Comment: This variant is classified as likely benign based on ACMG/AMP sequence variant interpretation guidelines (Richards et al. 2015 PMID: 25741868, with internal and published modifications).

Blueprint Genetics
Classification: Likely benign. Last evaluated: 2024-08-26. Review status: criteria provided, single submitter. Criteria: ACMG Guidelines, 2015. Collection method: clinical testing. Allele origin: germline.

Genome-Nilou Lab
Classification: Likely benign for Autosomal dominant nonsyndromic hearing loss 11. Last evaluated: 2021-07-14. Review status: criteria provided, single submitter. Criteria: ACMG Guidelines, 2015. Collection method: clinical testing. Allele origin: germline. Affected: no.

Genome-Nilou Lab
Classification: Likely benign for Autosomal recessive nonsyndromic hearing loss 2. Last evaluated: 2021-07-14. Review status: criteria provided, single submitter. Criteria: ACMG Guidelines, 2015. Collection method: clinical testing. Allele origin: germline. Affected: no.

Genome-Nilou Lab
Classification: Likely benign for Usher syndrome type 1. Last evaluated: 2021-07-14. Review status: criteria provided, single submitter. Criteria: ACMG Guidelines, 2015. Collection method: clinical testing. Allele origin: germline. Affected: no.

Pars Genome Lab
Classification: Likely benign for Usher syndrome type 1. Last evaluated: 2021-05-18. Review status: criteria provided, single submitter. Criteria: ACMG Guidelines, 2015. Collection method: clinical testing. Allele origin: germline. Affected: no.

GeneDx
Classification: Likely benign. Last evaluated: 2020-10-06. Review status: criteria provided, single submitter. Criteria: GeneDx Variant Classification Process June 2021. Collection method: clinical testing. Allele origin: germline. Affected: yes.

Laboratory for Molecular Medicine, Mass General Brigham Personalized Medicine
Classification: Likely benign. Last evaluated: 2017-03-22. Review status: criteria provided, single submitter. Criteria: LMM Criteria. Collection method: clinical testing. Allele origin: germline. Observed: 2 variant alleles.
Comment: proposed classification - variant undergoing re-assessment, contact laboratory

ARUP Laboratories, Molecular Genetics and Genomics, ARUP Laboratories
Classification: Uncertain significance. Last evaluated: 2017-01-05. Review status: criteria provided, single submitter. Criteria: ARUP Molecular Germline Variant Investigation Process. Collection method: clinical testing. Allele origin: germline.